The following is an entry in ClinVar:

ClinVar aggregate classification (germline): Uncertain significance (1 of 4 stars; one submission).

Submission:

Labcorp Genetics (formerly Invitae), Labcorp
Classification: Uncertain significance. Last evaluated: 2025-10-27. Review status: criteria provided, single submitter. Criteria: Invitae Variant Classification Sherloc (09022015). Collection method: clinical testing. Allele origin: germline.
Comment: This sequence change replaces tyrosine, which is neutral and polar, with cysteine, which is neutral and slightly polar, at codon 164 of the TBX20 protein (p.Tyr164Cys). This variant is not present in population databases (gnomAD no frequency). This variant has not been reported in the literature in individuals affected with TBX20-related conditions. An algorithm developed to predict the effect of missense changes on protein structure and function (PolyPhen-2) suggests that this variant is likely to be disruptive. In summary, the available evidence is currently insufficient to determine the role of this variant in disease. Therefore, it has been classified as a Variant of Uncertain Significance.

NM_001077653.2(TBX20):c.491A>G (p.Tyr164Cys)

Gene: TBX20 (T-box transcription factor 20; minus strand). Cytogenetic location: 7p14.2.
Variant type: single nucleotide variant.
Coding change: c.491A>G on transcript NM_001077653.2 (MANE Select); coding-DNA position 491, A replaced by G.
Protein change: p.Tyr164Cys; replaces tyrosine 164 with cysteine.
Molecular consequence: missense variant.
Genome position (GRCh38, 1-based): chr7:35,248,731, T>C on the plus strand (A>G on the coding strand, the complement: TBX20 is on the minus strand). VCF-style: chr7-35248731-T-C. GRCh37 (hg19) VCF-style: chr7-35288343-T-C.
Other names: c.491A>G, p.Tyr164Cys (NM_001166220.1); short protein forms Y164C.
Identifiers: ClinVar variation 4808671 (VCV004808671.1).